The following is an entry in ClinVar:

NM_000545.8(HNF1A):c.1874A>G (p.Gln625Arg)

Genes: C12orf43 (chromosome 12 open reading frame 43; minus strand), HNF1A (HNF1 homeobox A; plus strand). Cytogenetic location: 12q24.31.
Variant type: single nucleotide variant.
Coding change: c.1874A>G on transcript NM_000545.8 (MANE Select); coding-DNA position 1874, A replaced by G.
Protein change: p.Gln625Arg; replaces glutamine 625 with arginine.
Molecular consequence: missense variant. On other transcripts: 3 prime UTR variant (3).
Genome position (GRCh38, 1-based): chr12:121,001,170, A>G. VCF-style: chr12-121001170-A-G. GRCh37 (hg19) VCF-style: chr12-121438973-A-G.
Other names: c.1895A>G, p.Gln632Arg (NM_001306179.2); c.1682A>G, p.Gln561Arg (NM_001406915.1); c.*2983T>C (NM_001286191.2, NM_001286196.2, NM_022895.3); short protein forms Q625R, Q561R, Q632R.
Identifiers: ClinVar variation 2186584 (VCV002186584.4), dbSNP rs2500014469, ClinGen allele CA386941339.

ClinVar aggregate classification (germline): Uncertain significance (1 of 4 stars; one submission).

Submission:

Labcorp Genetics (formerly Invitae), Labcorp
Classification: Uncertain significance. Last evaluated: 2022-01-03. Review status: criteria provided, single submitter. Criteria: Invitae Variant Classification Sherloc (09022015). Collection method: clinical testing. Allele origin: germline.
Comment: This sequence change replaces glutamine, which is neutral and polar, with arginine, which is basic and polar, at codon 625 of the HNF1A protein (p.Gln625Arg). This variant is not present in population databases (gnomAD no frequency). This variant has not been reported in the literature in individuals affected with HNF1A-related conditions. Advanced modeling of protein sequence and biophysical properties (such as structural, functional, and spatial information, amino acid conservation, physicochemical variation, residue mobility, and thermodynamic stability) performed at Invitae indicates that this missense variant is expected to disrupt HNF1A protein function. In summary, the available evidence is currently insufficient to determine the role of this variant in disease. Therefore, it has been classified as a Variant of Uncertain Significance.